The following is an entry in ClinVar:

NM_004991.4(MECOM):c.3199T>G (p.Leu1067Val)

Gene: MECOM (MDS1 and EVI1 complex locus; minus strand). Cytogenetic location: 3q26.2.
Variant type: single nucleotide variant.
Coding change: c.3199T>G on transcript NM_004991.4 (MANE Select); coding-DNA position 3199, T replaced by G.
Protein change: p.Leu1067Val; replaces leucine 1067 with valine.
Molecular consequence: missense variant.
Genome position (GRCh38, 1-based): chr3:169,090,202, A>C on the plus strand (T>G on the coding strand, the complement: MECOM is on the minus strand). VCF-style: chr3-169090202-A-C. GRCh37 (hg19) VCF-style: chr3-168807990-A-C.
Other names: c.2830T>G, p.Leu944Val (NM_001105077.4); c.2635T>G, p.Leu879Val (NM_001105078.4, NM_001205194.2, NM_001366469.2 and 1 more transcripts); c.2611T>G, p.Leu871Val (NM_001163999.2, NM_001366470.2); c.2608T>G, p.Leu870Val (NM_001164000.2, NM_001366471.2, NM_001366472.2); c.3172T>G, p.Leu1058Val (NM_001366466.2); c.2638T>G, p.Leu880Val (NM_001366467.2, NM_001366468.2); c.2200T>G, p.Leu734Val (NM_001366473.2); c.1636T>G, p.Leu546Val (NM_001366474.2); short protein forms L1058V, L870V, L879V, L1067V, L734V, L546V, L880V, L944V.
Identifiers: ClinVar variation 4105853 (VCV004105853.1).

ClinVar aggregate classification (germline): Uncertain significance (1 of 4 stars; one submission).

Conditions:
Inborn genetic diseases. Identifiers: MedGen C0950123, MeSH D030342.

Submission:

Ambry Genetics
Classification: Uncertain significance for Inborn genetic diseases. Last evaluated: 2025-08-15. Review status: criteria provided, single submitter. Criteria: Ambry Variant Classification Scheme 2023. Collection method: clinical testing. Allele origin: germline.
Comment: The p.L1067V variant (also known as c.3199T>G), located in coding exon 15 of the MECOM gene, results from a T to G substitution at nucleotide position 3199. The leucine at codon 1067 is replaced by valine, an amino acid with highly similar properties. This amino acid position is conserved. In addition, this alteration is predicted to be tolerated by in silico analysis. Based on the available evidence, the clinical significance of this variant remains unclear.